The following is an entry in ClinVar:

NM_032776.3(JMJD1C):c.5396T>C (p.Ile1799Thr)

Gene: JMJD1C (jumonji domain containing 1C; minus strand). Cytogenetic location: 10q21.3.
Variant type: single nucleotide variant.
Coding change: c.5396T>C on transcript NM_032776.3 (MANE Select); coding-DNA position 5396, T replaced by C.
Protein change: p.Ile1799Thr; replaces isoleucine 1799 with threonine.
Molecular consequence: missense variant. On other transcripts: non-coding transcript variant (1).
Genome position (GRCh38, 1-based): chr10:63,198,608, A>G on the plus strand (T>C on the coding strand, the complement: JMJD1C is on the minus strand). VCF-style: chr10-63198608-A-G. GRCh37 (hg19) VCF-style: chr10-64958368-A-G.
Other names: c.4850T>C, p.Ile1617Thr (NM_001282948.2, NM_001318154.2); c.4532T>C, p.Ile1511Thr (NM_001318153.2); c.5282T>C, p.Ile1761Thr (NM_001322252.2); c.4739T>C, p.Ile1580Thr (NM_001322254.2, NM_001322258.2); short protein forms I1799T, I1511T, I1617T, I1761T, I1580T.
Identifiers: ClinVar variation 460259 (VCV000460259.10), dbSNP rs367650429, ClinGen allele CA5518104.

ClinVar aggregate classification (germline): Uncertain significance (1 of 4 stars; one submission).

Conditions:
Early Myoclonic Encephalopathy. Identifiers: MedGen C0270855.

Allele frequency attached by ClinVar (database versions not stated): TOPMed 0.00002; ExAC 0.00001; gnomAD 0.00001; ESP Exome Variant Server 0.00008; gnomAD exomes 0.00001.
gnomAD v4.1: 12 of 1,606,646 alleles (0.00075%); highest among the groups gnomAD compares: East Asian, 0.0022%; no homozygotes.

Submission:

Labcorp Genetics (formerly Invitae), Labcorp
Classification: Uncertain significance for Early Myoclonic Encephalopathy. Last evaluated: 2024-06-28. Review status: criteria provided, single submitter. Criteria: Invitae Variant Classification Sherloc (09022015). Collection method: clinical testing. Allele origin: germline.
Comment: This sequence change replaces isoleucine, which is neutral and non-polar, with threonine, which is neutral and polar, at codon 1799 of the JMJD1C protein (p.Ile1799Thr). This variant is present in population databases (rs367650429, gnomAD 0.004%). This variant has not been reported in the literature in individuals affected with JMJD1C-related conditions. ClinVar contains an entry for this variant (Variation ID: 460259). Advanced modeling of protein sequence and biophysical properties (such as structural, functional, and spatial information, amino acid conservation, physicochemical variation, residue mobility, and thermodynamic stability) performed at Invitae indicates that this missense variant is not expected to disrupt JMJD1C protein function with a negative predictive value of 80%. In summary, the available evidence is currently insufficient to determine the role of this variant in disease. Therefore, it has been classified as a Variant of Uncertain Significance.